The following is an entry in ClinVar:

ClinVar aggregate classification (germline): Uncertain significance. Review status: reviewed by expert panel (3 of 4 stars). 4 submissions from 4 submitters: Uncertain significance (1). 3 of the submissions do not count toward it. Last evaluated 2024-09-25.

Conditions:
Hereditary thrombocytopenia and hematologic cancer predisposition syndrome. Identifiers: Orphanet 71290, MedGen CN281654, MONDO:0011071.
Hereditary thrombocytopenia and hematological cancer predisposition syndrome associated with RUNX1. Also called: Familial Platelet Disorder with Propensity to Acute Myelogenous Leukemia; Familial thrombocytopenia with propensity to acute myelogenous leukemia; PLATELET DISORDER, ASPIRIN-LIKE; RUNX1 Familial Platelet Disorder with Associated Myeloid Malignancies. Identifiers: Orphanet 71290, MedGen C1832388, MeSH C563324, MONDO:0100083, OMIM 601399.
Inborn genetic diseases. Identifiers: MedGen C0950123, MeSH D030342.
Acute myeloid leukemia (AML). Also called: Acute myeloid leukemia, adult; AML adult; Acute non-lymphocytic leukemia; Acute granulocytic leukemia; Leukemia, acute myeloid, somatic; Leukemia, acute myelogenous, somatic. Identifiers: Orphanet 519, MedGen C0023467, MeSH D015470, MONDO:0018874, OMIM 601626, HP:0004808. Disease mechanism: Constitutively activated FLT3.

Submissions (4):

ClinGen Myeloid Malignancy Variant Curation Expert Panel
Classification: Uncertain significance for Hereditary thrombocytopenia and hematologic cancer predisposition syndrome. Last evaluated: 2024-09-25. Review status: reviewed by expert panel. Criteria: ClinGen MyeloMalig ACMG Specifications v2. Collection method: curation. Allele origin: germline. Inheritance: Autosomal dominant inheritance.
Comment: NM_001754.5(RUNX1):c.1166C>G (p.Ser389Trp) is a missense variant which has a REVEL score < 0.50 (0.286) and a SpliceAI score ≤ 0.20 (0.0) (BP4). This variant is completely absent from all population databases with at least 20x coverage for RUNX1 (PM2_Supporting). In summary, the clinical significance of this variant is uncertain. ACMG/AMP criteria applied, as specified by the Myeloid Malignancy Variant Curation Expert Panel for RUNX1: BP4, PM2_supporting.

Ambry Genetics
Classification: Uncertain significance for Inborn genetic diseases. Last evaluated: 2025-05-27. Review status: criteria provided, single submitter. Criteria: Ambry Variant Classification Scheme 2023. Collection method: clinical testing. Allele origin: germline. Not counted in ClinVar's aggregate classification.
Comment: The p.S389W variant (also known as c.1166C>G), located in coding exon 8 of the RUNX1 gene, results from a C to G substitution at nucleotide position 1166. The serine at codon 389 is replaced by tryptophan, an amino acid with highly dissimilar properties. This amino acid position is conserved. In addition, this alteration is predicted to be tolerated by in silico analysis. Based on the available evidence, the clinical significance of this variant remains unclear.

Labcorp Genetics (formerly Invitae), Labcorp
Classification: Uncertain significance for Hereditary thrombocytopenia and hematological cancer predisposition syndrome associated with RUNX1. Last evaluated: 2023-08-14. Review status: criteria provided, single submitter. Criteria: Invitae Variant Classification Sherloc (09022015). Collection method: clinical testing. Allele origin: germline. Not counted in ClinVar's aggregate classification.
Comment: This sequence change replaces serine, which is neutral and polar, with tryptophan, which is neutral and slightly polar, at codon 389 of the RUNX1 protein (p.Ser389Trp). This variant is not present in population databases (gnomAD no frequency). This variant has not been reported in the literature in individuals affected with RUNX1-related conditions. ClinVar contains an entry for this variant (Variation ID: 2038636). Advanced modeling of protein sequence and biophysical properties (such as structural, functional, and spatial information, amino acid conservation, physicochemical variation, residue mobility, and thermodynamic stability) has been performed at Invitae for this missense variant, however the output from this modeling did not meet the statistical confidence thresholds required to predict the impact of this variant on RUNX1 protein function. In summary, the available evidence is currently insufficient to determine the role of this variant in disease. Therefore, it has been classified as a Variant of Uncertain Significance.

Baylor Genetics
Classification: Uncertain significance for Acute myeloid leukemia. Last evaluated: 2023-06-06. Review status: criteria provided, single submitter. Criteria: ACMG Guidelines, 2015. Collection method: clinical testing. Allele origin: unknown. Not counted in ClinVar's aggregate classification.

NM_001754.5(RUNX1):c.1166C>G (p.Ser389Trp)

Gene: RUNX1 (RUNX family transcription factor 1; minus strand). Cytogenetic location: 21q22.12.
Variant type: single nucleotide variant.
Coding change: c.1166C>G on transcript NM_001754.5 (MANE Select); coding-DNA position 1166, C replaced by G.
Protein change: p.Ser389Trp; replaces serine 389 with tryptophan.
Molecular consequence: missense variant.
Genome position (GRCh38, 1-based): chr21:34,792,412, G>C on the plus strand (C>G on the coding strand, the complement: RUNX1 is on the minus strand). VCF-style: chr21-34792412-G-C. GRCh37 (hg19) VCF-style: chr21-36164709-G-C.
Other names: NM_001754.5(RUNX1):c.1166C>G; p.Ser389Trp; c.1085C>G, p.Ser362Trp (NM_001001890.3); short protein forms S362W, S389W.
Identifiers: ClinVar variation 2038636 (VCV002038636.7), dbSNP rs1350744261, ClinGen allele CA410147897.